The following is an entry in ClinVar:

ClinVar aggregate classification (germline): Conflicting classifications of pathogenicity. Review status: criteria provided, conflicting classifications (1 of 4 stars). 4 submissions from 4 submitters: Uncertain significance (3); Likely benign (1). Last evaluated 2025-07-09.

Conditions:
Pseudohypoaldosteronism type 2E (PHA2E). Also called: Pseudohypoaldosteronism Type IIE. Identifiers: Orphanet 300530, Orphanet 757, MedGen C3469606, MONDO:0013782, OMIM 614496.
Neurodevelopmental disorder with or without autism or seizures (NEDAUS). Identifiers: MedGen C5543225, MONDO:0030994, OMIM 619239.
CUL3-related disorder. Also called: CUL3-related condition; CUL3-related disorders.

Allele frequency attached by ClinVar (database versions not stated): gnomAD exomes below 0.00001 and 0.00001; gnomAD 0.00003; TOPMed 0.00008.

Submissions (4):

PreventionGenetics, part of Exact Sciences
Classification: Uncertain significance for CUL3-related condition. Last evaluated: 2025-07-09. Review status: criteria provided, single submitter. Criteria: ACMG Guidelines, 2015. Collection method: clinical testing. Allele origin: germline.
Comment: The CUL3 c.563A>G variant is predicted to result in the amino acid substitution p.Gln188Arg. To our knowledge, this variant has not been reported in the literature. This variant is reported in 0.0034% of alleles in individuals of Latino descent in gnomAD. At this time, the clinical significance of this variant is uncertain due to the absence of conclusive functional and genetic evidence.

Labcorp Genetics (formerly Invitae), Labcorp
Classification: Likely benign. Last evaluated: 2025-03-17. Review status: criteria provided, single submitter. Criteria: Invitae Variant Classification Sherloc (09022015). Collection method: clinical testing. Allele origin: germline.

Fulgent Genetics
Classification: Uncertain significance for Pseudohypoaldosteronism type 2E; Neurodevelopmental disorder with or without autism or seizures. Last evaluated: 2024-06-10. Review status: criteria provided, single submitter. Criteria: ACMG Guidelines, 2015. Collection method: clinical testing. Allele origin: germline.

New York Genome Center
Classification: Uncertain significance for Neurodevelopmental disorder with or without autism or seizures. Last evaluated: 2021-06-04. Review status: criteria provided, single submitter. Criteria: NYGC Assertion Criteria 2020. Collection method: clinical testing. Allele origin: inherited. Observed: 1 heterozygote. Study: CSER-NYCKidSeq.
Comment: The inherited heterozygous missense variant c.563A>G, p.Gln188Arg has not been reported in individuals with CUL3-related disorders. The variant has an allele frequency of 0.002% (4 heterozygous) in the gnomAD v3.1.1 database, indicating a rare allele and in silico tools predict conflicting evidence of pathogenicity. Based on the available evidence, the variant c.563A>G, p.Gln188Arg in the CUL3 gene is classified as a variant of uncertain significance.

NM_003590.5(CUL3):c.563A>G (p.Gln188Arg)

Gene: CUL3 (cullin 3; minus strand). Cytogenetic location: 2q36.2.
Variant type: single nucleotide variant.
Coding change: c.563A>G on transcript NM_003590.5 (MANE Select); coding-DNA position 563, A replaced by G.
Protein change: p.Gln188Arg; replaces glutamine 188 with arginine.
Molecular consequence: missense variant.
Genome position (GRCh38, 1-based): chr2:224,513,615, T>C on the plus strand (A>G on the coding strand, the complement: CUL3 is on the minus strand). VCF-style: chr2-224513615-T-C. GRCh37 (hg19) VCF-style: chr2-225378332-T-C.
Other names: c.365A>G, p.Gln122Arg (NM_001257197.2); c.581A>G, p.Gln194Arg (NM_001257198.2); c.563A>G (NM_003590.4); short protein forms Q122R, Q188R, Q194R.
Identifiers: ClinVar variation 1679660 (VCV001679660.9), dbSNP rs991634550, ClinGen allele CA66535843.